The following is an entry in ClinVar:

NM_017838.4(NHP2):c.439C>T (p.Gln147Ter)

Genes: NHP2 (NHP2 ribonucleoprotein; minus strand), RMND5B (required for meiotic nuclear division 5 homolog B; plus strand). Cytogenetic location: 5q35.3.
Variant type: single nucleotide variant.
Coding change: c.439C>T on transcript NM_017838.4 (MANE Select); coding-DNA position 439, C replaced by T.
Protein change: p.Gln147Ter; replaces glutamine 147 with a stop codon.
Molecular consequence: nonsense. On other transcripts: 3 prime UTR variant (5).
Genome position (GRCh38, 1-based): chr5:178,149,736, G>A on the plus strand (C>T on the coding strand, the complement: NHP2 is on the minus strand). VCF-style: chr5-178149736-G-A. GRCh37 (hg19) VCF-style: chr5-177576737-G-A.
Other names: c.*60C>T (NM_001034833.2, NM_001396110.1); c.*1704G>A (NM_001288794.2, NM_001288795.2, NM_022762.5); short protein forms Q147*.
Identifiers: ClinVar variation 2875896 (VCV002875896.3), dbSNP rs779452625, ClinGen allele CA362390959.
Genomic context (GRCh38, chr5:178,149,736, plus strand): 5'-CTTCCAGCGGCAGGTGCCCAGGTGCTACCGGAGCCCCTCATAGGGGTAGGGGCAGGGACT[G>A]CACCTCCTCCAGGCACTCATCGTAAGCCTCCTGGTACTCCTCATGGGGCTTGACCATTAT-3'

ClinVar aggregate classification (germline): Uncertain significance (1 of 4 stars; one submission).

Conditions:
Dyskeratosis congenita. Identifiers: Orphanet 1775, MedGen C0265965, MONDO:0015780.

gnomAD v4.1: 1 of 1,614,032 alleles (0.000062%); highest among the groups gnomAD compares: Non-Finnish European, 0.000085%; no homozygotes.

Submission:

Labcorp Genetics (formerly Invitae), Labcorp
Classification: Uncertain significance for Dyskeratosis congenita. Last evaluated: 2025-10-20. Review status: criteria provided, single submitter. Criteria: Invitae Variant Classification Sherloc (09022015). Collection method: clinical testing. Allele origin: germline.
Comment: This sequence change creates a premature translational stop signal (p.Gln147*) in the NHP2 gene. While this is not anticipated to result in nonsense mediated decay, it is expected to disrupt the last 7 amino acid(s) of the NHP2 protein. This variant is not present in population databases (gnomAD no frequency). This variant has not been reported in the literature in individuals affected with NHP2-related conditions. ClinVar contains an entry for this variant (Variation ID: 2875896). Experimental studies and prediction algorithms are not available or were not evaluated, and the functional significance of this variant is currently unknown. In summary, the available evidence is currently insufficient to determine the role of this variant in disease. Therefore, it has been classified as a Variant of Uncertain Significance.